The following is an entry in ClinVar:

NM_006488.3(KHK):c.-449T>G

Gene: KHK (ketohexokinase; plus strand). Cytogenetic location: 2p23.3.
Variant type: single nucleotide variant.
Coding change: c.-449T>G on transcript NM_006488.3 (MANE Select); 449 bases upstream of the start codon, T replaced by G.
Molecular consequence: 5 prime UTR variant.
Genome position (GRCh38, 1-based): chr2:27,086,811, T>G. VCF-style: chr2-27086811-T-G. GRCh37 (hg19) VCF-style: chr2-27309679-T-G.
Other names: c.-449T>G (NM_000221.3).
Identifiers: ClinVar variation 335474 (VCV000335474.5), dbSNP rs116028777, ClinGen allele CA10613024.

ClinVar aggregate classification (germline): Benign (1 of 4 stars; one submission).

Conditions:
Essential fructosuria. Also called: HEPATIC FRUCTOKINASE DEFICIENCY; KETOHEXOKINASE DEFICIENCY. Identifiers: Orphanet 2056, MedGen C0268160, MONDO:0009252, OMIM 229800.

Allele frequency attached by ClinVar (database versions not stated): gnomAD exomes 0.00391; gnomAD 0.06231 and 0.05800; 1000 Genomes Project 30x 0.06918; 1000 Genomes Project 0.06110; TOPMed 0.06278.
gnomAD v4.1: 8,758 of 154,080 alleles (5.7%); highest among the groups gnomAD compares: African/African-American, 20%; 835 homozygotes.

Submission:

Illumina Laboratory Services, Illumina
Classification: Benign for Essential fructosuria. Last evaluated: 2018-01-12. Review status: criteria provided, single submitter. Criteria: ICSL Variant Classification Criteria 13 December 2019. Collection method: clinical testing. Allele origin: germline.
Comment: This variant was observed in the ICSL laboratory as part of a predisposition screen in an ostensibly healthy population. It had not been previously curated by ICSL or reported in the Human Gene Mutation Database (HGMD: prior to June 1st, 2018), and was therefore a candidate for classification through an automated scoring system. Utilizing variant allele frequency, disease prevalence and penetrance estimates, and inheritance mode, an automated score was calculated to assess if this variant is too frequent to cause the disease. Based on the score and internal cut-off values, a variant classified as benign is not then subjected to further curation. The score for this variant resulted in a classification of benign for this disease.